The following is an entry in ClinVar:

ClinVar aggregate classification (germline): Uncertain significance (1 of 4 stars; one submission).

Allele frequency attached by ClinVar (database versions not stated): gnomAD exomes below 0.00001; TOPMed below 0.00001.

Submission:

GeneDx
Classification: Uncertain significance. Last evaluated: 2022-05-12. Review status: criteria provided, single submitter. Criteria: GeneDx Variant Classification Process June 2021. Collection method: clinical testing. Allele origin: germline. Affected: yes.
Comment: In silico analysis, which includes splice predictors and evolutionary conservation, suggests this variant may impact gene splicing. In the absence of RNA/functional studies, the actual effect of this sequence change is unknown.; Has not been previously published as pathogenic or benign to our knowledge

NM_006267.5(RANBP2):c.1064-12T>G

Gene: RANBP2 (RAN binding protein 2; plus strand). Cytogenetic location: 2q13.
Variant type: single nucleotide variant.
Coding change: c.1064-12T>G on transcript NM_006267.5 (MANE Select); 12 bases into the intron before coding-DNA position 1064, T replaced by G.
Molecular consequence: intron variant.
Genome position (GRCh38, 1-based): chr2:108,748,908, T>G. VCF-style: chr2-108748908-T-G. GRCh37 (hg19) VCF-style: chr2-109365364-T-G.
Identifiers: ClinVar variation 1723846 (VCV001723846.2), dbSNP rs1165835844, ClinGen allele CA535593338.